The following is an entry in ClinVar:

NM_173653.4(SLC9A9):c.283G>A (p.Val95Ile)

Gene: SLC9A9 (solute carrier family 9 member A9; minus strand). Cytogenetic location: 3q24.
Variant type: single nucleotide variant.
Coding change: c.283G>A on transcript NM_173653.4 (MANE Select); coding-DNA position 283, G replaced by A.
Protein change: p.Val95Ile; replaces valine 95 with isoleucine.
Molecular consequence: missense variant.
Genome position (GRCh38, 1-based): chr3:143,832,114, C>T on the plus strand (G>A on the coding strand, the complement: SLC9A9 is on the minus strand). VCF-style: chr3-143832114-C-T. GRCh37 (hg19) VCF-style: chr3-143550956-C-T.
Other names: short protein forms V95I.
Identifiers: ClinVar variation 787258 (VCV000787258.6), dbSNP rs75035051, ClinGen allele CA2654257.
Genomic context (GRCh38, chr3:143,832,114, plus strand): 5'-TGTTGTGCTGACTTATTTCTCTTTTGTATTTATATTCATAAACTTGGTCAGTGATATTAA[C>T]CAGCAGAGTTGATGGACTGAAAGTTAGTTTTACACAGTCATAGACAGTTCCACTTTCAAT-3'
Protein context (NP_775924.1, residues 85-105): KLTFSPSTLL[Val95Ile]NITDQVYEYK

ClinVar aggregate classification (germline): Benign. Review status: criteria provided, multiple submitters, no conflicts (2 of 4 stars). 3 submissions from 3 submitters: Benign (2). 1 of the submissions does not count toward it. Last evaluated 2018-07-19.

Conditions:
SLC9A9-related disorder. Also called: SLC9A9-related condition.

Allele frequency attached by ClinVar (database versions not stated): gnomAD exomes 0.00019 and 0.00044; ExAC 0.00054; ESP Exome Variant Server 0.00169; gnomAD 0.00195 and 0.00211; TOPMed 0.00198; 1000 Genomes Project 0.00200; 1000 Genomes Project 30x 0.00219.
gnomAD v4.1: 576 of 1,613,128 alleles (0.036%); highest among the groups gnomAD compares: African/African-American, 0.72%; 3 homozygotes.

Submissions (3):

Labcorp Genetics (formerly Invitae), Labcorp
Classification: Benign. Last evaluated: 2018-07-19. Review status: criteria provided, single submitter. Criteria: Invitae Variant Classification Sherloc (09022015). Collection method: clinical testing. Allele origin: germline.

Breakthrough Genomics
Classification: Benign. Review status: criteria provided, single submitter. Criteria: ACMG Guidelines, 2015. Collection method: not provided. Allele origin: germline. Inheritance: Unknown mechanism. Affected: yes.

PreventionGenetics, part of Exact Sciences
Classification: Likely benign for SLC9A9-related condition. Last evaluated: 2019-08-08. Review status: no assertion criteria provided. Collection method: clinical testing. Allele origin: germline. Not counted in ClinVar's aggregate classification.
Comment: This variant is classified as likely benign based on ACMG/AMP sequence variant interpretation guidelines (Richards et al. 2015 PMID: 25741868, with internal and published modifications).